The following is an entry in ClinVar:

NM_002500.5(NEUROD1):c.51A>G (p.Gln17=)

Gene: NEUROD1 (neuronal differentiation 1; minus strand). Cytogenetic location: 2q31.3.
Variant type: single nucleotide variant.
Coding change: c.51A>G on transcript NM_002500.5 (MANE Select); coding-DNA position 51, A replaced by G.
Protein change: p.Gln17=; no amino-acid change (glutamine 17 retained).
Molecular consequence: synonymous variant.
Genome position (GRCh38, 1-based): chr2:181,678,810, T>C on the plus strand (A>G on the coding strand, the complement: NEUROD1 is on the minus strand). VCF-style: chr2-181678810-T-C. GRCh37 (hg19) VCF-style: chr2-182543537-T-C.
Identifiers: ClinVar variation 1094491 (VCV001094491.14), dbSNP rs752655582, ClinGen allele CA2011196.

ClinVar aggregate classification (germline): Likely benign. Review status: criteria provided, multiple submitters, no conflicts (2 of 4 stars). 2 submissions from 2 submitters: Likely benign (2). Last evaluated 2026-01-19.

Allele frequency attached by ClinVar (database versions not stated): ExAC 0.00002; gnomAD exomes 0.00002 and 0.00008; gnomAD 0.00003 and 0.00004; TOPMed 0.00004.

Submissions (2):

Labcorp Genetics (formerly Invitae), Labcorp
Classification: Likely benign. Last evaluated: 2026-01-19. Review status: criteria provided, single submitter. Criteria: Invitae Variant Classification Sherloc (09022015). Collection method: clinical testing. Allele origin: germline.

CeGaT Center for Human Genetics Tuebingen
Classification: Likely benign. Last evaluated: 2025-12-01. Review status: criteria provided, single submitter. Criteria: CeGaT Center For Human Genetics Tuebingen Variant Classification Criteria Version 2. Collection method: clinical testing. Allele origin: germline. Affected: yes. Observed: 1 variant allele.
Comment: NEUROD1: BP4, BP7